The following is an entry in ClinVar:

NM_016955.4(SEPSECS):c.467G>A (p.Arg156Gln)

Gene: SEPSECS (Sep (O-phosphoserine) tRNA:Sec (selenocysteine) tRNA synthase; minus strand). Cytogenetic location: 4p15.2.
Variant type: single nucleotide variant.
Coding change: c.467G>A on transcript NM_016955.4 (MANE Select); coding-DNA position 467, G replaced by A.
Protein change: p.Arg156Gln; replaces arginine 156 with glutamine.
Molecular consequence: missense variant.
Genome position (GRCh38, 1-based): chr4:25,156,117, C>T on the plus strand (G>A on the coding strand, the complement: SEPSECS is on the minus strand). VCF-style: chr4-25156117-C-T. GRCh37 (hg19) VCF-style: chr4-25157739-C-T.
Other names: c.467G>A (NM_016955.3); short protein forms R156Q.
Identifiers: ClinVar variation 1329502 (VCV001329502.7), dbSNP rs776438003, ClinGen allele CA2877430.

ClinVar aggregate classification (germline): Uncertain significance. Review status: criteria provided, multiple submitters, no conflicts (2 of 4 stars). 3 submissions from 3 submitters: Uncertain significance (3). Last evaluated 2023-11-16.

Conditions:
Pontocerebellar hypoplasia type 2D (PCH2D). Also called: Progressive cerebello-cerebral atrophy. Identifiers: Orphanet 247198, Orphanet 2524, MedGen C3151140, MONDO:0013438, OMIM 613811.

Allele frequency attached by ClinVar (database versions not stated): gnomAD exomes below 0.00001; ExAC 0.00001.
gnomAD v4.1: 4 of 1,613,820 alleles (0.00025%); highest among the groups gnomAD compares: South Asian, 0.0011%; no homozygotes.

Submissions (3):

Revvity Omics, Revvity
Classification: Uncertain significance for Pontocerebellar hypoplasia type 2D. Last evaluated: 2023-11-16. Review status: criteria provided, single submitter. Criteria: ACMG Guidelines, 2015. Collection method: clinical testing. Allele origin: germline.

Fulgent Genetics
Classification: Uncertain significance for Pontocerebellar hypoplasia type 2D. Last evaluated: 2022-03-24. Review status: criteria provided, single submitter. Criteria: ACMG Guidelines, 2015. Collection method: clinical testing. Allele origin: unknown.

Diagnostics Services (NGS), CSIR - Centre For Cellular And Molecular Biology
Classification: Uncertain significance for Pontocerebellar hypoplasia type 2D. Last evaluated: 2021-07-02. Review status: criteria provided, single submitter. Criteria: ACMG Guidelines, 2015. Collection method: clinical testing. Allele origin: unknown. Inheritance: Autosomal recessive inheritance. Affected: yes. Observed: 1 variant allele, 1 homozygote.
Comment: The c.467G>A variant is not present in publicly available population databases like 1000 Genomes and Exome Variant Server (EVS). The heterozygous state of the variant is present in Exome Aggregation Consortium (ExAC), Genome Aggregation Database (gnomAD) and dbSNP at a very low frequency. The variant is not present in Indian Exome Database and in our in-house exome database. The variant was not earlier reported to ClinVar, Human Genome Mutation Database (HGMD) and/or OMIM databases, however it was identified and reported earlier in patients affected with milder progressive cerebellar atrophy [PMID:12920088]. In-silico pathogenicity prediction programs like SIFT, PolyPhen-3, MutationTaster2, CADD etc. predicted this variant to be likely deleterious, however these predictions were not proved by any established functional evidence. Due to lack of enough evidence the variant has been calssified as uncertain significance.

Literature cited by the submitters: PubMed 12920088 (cited by Diagnostics Services (NGS), CSIR - Centre For Cellular And Molecular Biology).